The following is an entry in ClinVar:

NM_003982.4(SLC7A7):c.1380C>G (p.Ile460Met)

Gene: SLC7A7 (solute carrier family 7 member 7; minus strand). Cytogenetic location: 14q11.2.
Variant type: single nucleotide variant.
Coding change: c.1380C>G on transcript NM_003982.4 (MANE Select); coding-DNA position 1380, C replaced by G.
Protein change: p.Ile460Met; replaces isoleucine 460 with methionine.
Molecular consequence: missense variant.
Genome position (GRCh38, 1-based): chr14:22,773,982, G>C on the plus strand (C>G on the coding strand, the complement: SLC7A7 is on the minus strand). VCF-style: chr14-22773982-G-C. GRCh37 (hg19) VCF-style: chr14-23243191-G-C.
Other names: p.Ile460Met; c.1380C>G, p.Ile460Met (NM_001126105.3, NM_001126106.4); short protein forms I460M.
Identifiers: ClinVar variation 312812 (VCV000312812.48), dbSNP rs139415285, ClinGen allele CA7104407.
Genomic context (GRCh38, chr14:22,773,982, plus strand): 5'-GCACGGCTTACCCACGATCCTTCGGAGGTAAAGCGGTCGCTTATGTTCTGGCACTCTGAT[G>C]ATGAGGAAGTAAAAGGGCAGGCCTGAGAGGGCAATGGCAATGCCGATGAGGGAGTTGATA-3'
Protein context (NP_003973.3, residues 450-470): ALSGLPFYFL[Ile460Met]IRVPEHKRPL

ClinVar aggregate classification (germline): Likely benign. Review status: criteria provided, multiple submitters, no conflicts (2 of 4 stars). 12 submissions from 12 submitters: Likely benign (8). 4 of the submissions do not count toward it. Last evaluated 2026-06-01.

Conditions:
SLC7A7-related disorder. Also called: SLC7A7-related condition.
Autoinflammatory syndrome. Identifiers: Orphanet 93665, MedGen C3890737, MONDO:0019751.
Lysinuric protein intolerance (LPI). Identifiers: Orphanet 470, MedGen C0268647, MONDO:0009109, OMIM 222700.

Allele frequency attached by ClinVar (database versions not stated): gnomAD 0.00235 and 0.00193; TOPMed 0.00244; ESP Exome Variant Server 0.00246; ExAC 0.00253; gnomAD exomes 0.00284 and 0.00233; 1000 Genomes Project 30x 0.00125; 1000 Genomes Project 0.00140.

Submissions (12):

CeGaT Center for Human Genetics Tuebingen
Classification: Likely benign. Last evaluated: 2026-06-01. Review status: criteria provided, single submitter. Criteria: CeGaT Center For Human Genetics Tuebingen Variant Classification Criteria Version 2. Collection method: clinical testing. Allele origin: germline. Affected: yes. Observed: 2 variant alleles.
Comment: SLC7A7: BP4

Labcorp Genetics (formerly Invitae), Labcorp
Classification: Likely benign for Lysinuric protein intolerance. Last evaluated: 2026-01-31. Review status: criteria provided, single submitter. Criteria: Invitae Variant Classification Sherloc (09022015). Collection method: clinical testing. Allele origin: germline.

Mayo Clinic Laboratories, Mayo Clinic
Classification: Likely benign. Last evaluated: 2025-08-14. Review status: criteria provided, single submitter. Criteria: ACMG Guidelines, 2015. Collection method: clinical testing. Allele origin: germline. Observed: 4 variant alleles.
Comment: BS1, BP4

Blueprint Genetics
Classification: Likely benign. Last evaluated: 2024-11-22. Review status: criteria provided, single submitter. Criteria: ACMG Guidelines, 2015. Collection method: clinical testing. Allele origin: germline.

Women's Health and Genetics/Laboratory Corporation of America, LabCorp
Classification: Likely benign. Last evaluated: 2023-05-01. Review status: criteria provided, single submitter. Criteria: LabCorp Variant Classification Summary - May 2015. Collection method: clinical testing. Allele origin: germline.
Comment: Variant summary: SLC7A7 c.1380C>G (p.Ile460Met) results in a conservative amino acid change in the encoded protein sequence. Five of five in-silico tools predict a benign effect of the variant on protein function. The variant allele was found at a frequency of 0.0023 in 251450 control chromosomes. The observed variant frequency is approximately two fold of the estimated maximal expected allele frequency for a pathogenic variant in SLC7A7 causing Lysinuric Protein Intolerance phenotype (0.0011), strongly suggesting that the variant is benign. To our knowledge, c.1380C>G has not been reported in the literature in individuals affected with Lysinuric Protein Intolerance and no experimental evidence demonstrating an impact on protein function has been reported. Five clinical diagnostic laboratories have submitted clinical-significance assessments for this variant to ClinVar after 2014 without evidence for independent evaluation classifying the variant as likely benign (n=4) or uncertain significance (n=1). Based on the evidence outlined above, the variant was classified as likely benign.

Fulgent Genetics
Classification: Likely benign for Lysinuric protein intolerance. Last evaluated: 2021-07-14. Review status: criteria provided, single submitter. Criteria: ACMG Guidelines, 2015. Collection method: clinical testing. Allele origin: unknown.

Genome Diagnostics Laboratory, The Hospital for Sick Children
Classification: Likely benign for Autoinflammatory syndrome. Last evaluated: 2019-09-01. Review status: criteria provided, single submitter. Criteria: ACMG Guidelines, 2015. Collection method: clinical testing. Allele origin: germline. Affected: yes.

Illumina Laboratory Services, Illumina
Classification: Likely benign for Lysinuric protein intolerance. Last evaluated: 2018-01-13. Review status: criteria provided, single submitter. Criteria: ICSL Variant Classification Criteria 13 December 2019. Collection method: clinical testing. Allele origin: germline.
Comment: This variant was observed in the ICSL laboratory as part of a predisposition screen in an ostensibly healthy population. It had not been previously curated by ICSL or reported in the Human Gene Mutation Database (HGMD: prior to June 1st, 2018), and was therefore a candidate for classification through an automated scoring system. Utilizing variant allele frequency, disease prevalence and penetrance estimates, and inheritance mode, an automated score was calculated to assess if this variant is too frequent to cause the disease. Based on the score and internal cut-off values, a variant classified as likely benign is not then subjected to further curation. The score for this variant resulted in a classification of likely benign for this disease.

PreventionGenetics, part of Exact Sciences
Classification: Likely benign for SLC7A7-related condition. Last evaluated: 2022-12-28. Review status: no assertion criteria provided. Collection method: clinical testing. Allele origin: germline. Not counted in ClinVar's aggregate classification.
Comment: This variant is classified as likely benign based on ACMG/AMP sequence variant interpretation guidelines (Richards et al. 2015 PMID: 25741868, with internal and published modifications).

Natera, Inc.
Classification: Uncertain significance for Lysinuric protein intolerance. Last evaluated: 2020-04-17. Review status: no assertion criteria provided. Collection method: clinical testing. Allele origin: germline. Not counted in ClinVar's aggregate classification.

Clinical Genetics DNA and cytogenetics Diagnostics Lab, Erasmus MC, Erasmus Medical Center
Classification: Likely benign. Review status: no assertion criteria provided. Collection method: clinical testing. Allele origin: germline. Affected: yes. Study: VKGL Data-share Consensus. Not counted in ClinVar's aggregate classification.

Genome Diagnostics Laboratory, University Medical Center Utrecht
Classification: Likely benign. Review status: no assertion criteria provided. Collection method: clinical testing. Allele origin: germline. Affected: yes. Study: VKGL Data-share Consensus. Not counted in ClinVar's aggregate classification.

Literature cited by the submitters: PubMed 28976792 (cited by Women's Health and Genetics/Laboratory Corporation of America, LabCorp); PubMed 26740551 (cited by Women's Health and Genetics/Laboratory Corporation of America, LabCorp).